The following is an entry in ClinVar:

NM_001171613.2(PREPL):c.142G>A (p.Ala48Thr)

Gene: PREPL (prolyl endopeptidase like; minus strand). Cytogenetic location: 2p21.
Variant type: single nucleotide variant.
Coding change: c.142G>A on transcript NM_001171613.2 (MANE Select); coding-DNA position 142, G replaced by A.
Protein change: p.Ala48Thr; replaces alanine 48 with threonine.
Molecular consequence: missense variant.
Genome position (GRCh38, 1-based): chr2:44,344,520, C>T on the plus strand (G>A on the coding strand, the complement: PREPL is on the minus strand). VCF-style: chr2-44344520-C-T. GRCh37 (hg19) VCF-style: chr2-44571659-C-T.
Other names: c.409G>A, p.Ala137Thr (NM_006036.4, NM_001042385.2, NM_001042386.2 and 4 more transcripts); c.142G>A, p.Ala48Thr (NM_001171617.1, NM_001374277.1); short protein forms A137T, A48T.
Identifiers: ClinVar variation 74631 (VCV000074631.7), dbSNP rs267599387, ClinGen allele CA46553161.
Genomic context (GRCh38, chr2:44,344,520, plus strand): 5'-TCCTATAAAAAATATGAAATCTGAAAATTAGAGCACGTAAAAAGAAAAATTGTGGTGTAC[C>T]TTCTTCATCTTTGGAACGAACCAAGCAACAACCTTCTTGGTAATAAACAAAACCACCATG-3'
Protein context (NP_001165084.1, residues 38-58): CCLVRSKDEE[Ala48Thr]DNDNYEVLFN

ClinVar aggregate classification (germline): Uncertain significance (1 of 4 stars; one submission).

Conditions:
Myasthenic syndrome, congenital, 22 (CMS22). Also called: PREPL DEFICIENCY. Identifiers: MedGen C4479088, MONDO:0044299, OMIM 616224.

Submission:

Labcorp Genetics (formerly Invitae), Labcorp
Classification: Uncertain significance for Myasthenic syndrome, congenital, 22. Last evaluated: 2021-08-30. Review status: criteria provided, single submitter. Criteria: Invitae Variant Classification Sherloc (09022015). Collection method: clinical testing. Allele origin: germline.
Comment: This sequence change replaces alanine with threonine at codon 137 of the PREPL protein (p.Ala137Thr). The alanine residue is moderately conserved and there is a small physicochemical difference between alanine and threonine. This variant also falls at the last nucleotide of exon 3, which is part of the consensus splice site for this exon. This variant is not present in population databases (ExAC no frequency). This variant has not been reported in the literature in individuals affected with PREPL-related conditions. ClinVar contains an entry for this variant (Variation ID: 74631). Algorithms developed to predict the effect of missense changes on protein structure and function are either unavailable or do not agree on the potential impact of this missense change (SIFT: "Deleterious"; PolyPhen-2: "Possibly Damaging"; Align-GVGD: "Class C0"). Variants that disrupt the consensus splice site are a relatively common cause of aberrant splicing (PMID: 17576681, 9536098). Algorithms developed to predict the effect of sequence changes on RNA splicing suggest that this variant may disrupt the consensus splice site. In summary, the available evidence is currently insufficient to determine the role of this variant in disease. Therefore, it has been classified as a Variant of Uncertain Significance.

Literature cited by the submitters: PubMed 17576681; PubMed 9536098.